The following is an entry in ClinVar:

NM_153717.3(EVC):c.1776+5G>A

Gene: EVC (EvC ciliary complex subunit 1; plus strand). Cytogenetic location: 4p16.2.
Variant type: single nucleotide variant.
Coding change: c.1776+5G>A on transcript NM_153717.3 (MANE Select); 5 bases into the intron after coding-DNA position 1776, G replaced by A.
Molecular consequence: intron variant.
Genome position (GRCh38, 1-based): chr4:5,783,769, G>A. VCF-style: chr4-5783769-G-A. GRCh37 (hg19) VCF-style: chr4-5785496-G-A.
Other names: c.1776+5G>A (NM_001306090.2).
Identifiers: ClinVar variation 1299392 (VCV001299392.2), dbSNP rs968001713, ClinGen allele CA91778303.
Genomic context (GRCh38, chr4:5,783,769, plus strand): 5'-GCTTCCGGAGGCAGCAGTGGAAACTCTTCCAGGAGCTCCTAGAGCAAGACCAGCAGGTGC[G>A]GGCATTTGGGAACCCAGGGGCTGGGGTCTGCATTTTAGAAACACACGAAGAAGCGTGAGA-3'

ClinVar aggregate classification (germline): Uncertain significance (1 of 4 stars; one submission).

Conditions:
Curry-Hall syndrome (WAD). Also called: WEYERS ACRODENTAL DYSOSTOSIS. Identifiers: Orphanet 952, MedGen C0457013, MONDO:0008673, OMIM 193530.

Allele frequency attached by ClinVar (database versions not stated): gnomAD 0.00001 and 0.00002; TOPMed 0.00002.
gnomAD v4.1: 43 of 1,603,878 alleles (0.0027%); highest among the groups gnomAD compares: South Asian, 0.0045%; no homozygotes.

Submission:

Breda Genetics srl
Classification: Uncertain significance for Curry-Hall syndrome. Last evaluated: 2021-04-28. Review status: criteria provided, single submitter. Criteria: ACMG Guidelines, 2015. Collection method: clinical testing. Allele origin: germline. Inheritance: Autosomal dominant inheritance. Affected: yes. Observed: 1 variant allele, 1 heterozygote.
Comment: Based on allele frequency, in-silico prediction scores and a certain overlap with the clinical phenotype, we interpreted this variant at least as of uncertain significance. The lack of one or more of the following features has discouraged further investigations: lack of a possible second hit in autosomal recessive conditions, presence of healthy controls in databases for autosomal dominant conditions, presence of unmatching cardinal clinical features in the patient or in the known gene-disease association, and/or variant type outside the known gene mutational spectrum.